The following is an entry in ClinVar:

NM_013275.6(ANKRD11):c.6202A>T (p.Asn2068Tyr)

Gene: ANKRD11 (ankyrin repeat domain containing 11; minus strand). Cytogenetic location: 16q24.3.
Variant type: single nucleotide variant.
Coding change: c.6202A>T on transcript NM_013275.6 (MANE Select); coding-DNA position 6202, A replaced by T.
Protein change: p.Asn2068Tyr; replaces asparagine 2068 with tyrosine.
Molecular consequence: missense variant.
Genome position (GRCh38, 1-based): chr16:89,280,340, T>A on the plus strand (A>T on the coding strand, the complement: ANKRD11 is on the minus strand). VCF-style: chr16-89280340-T-A. GRCh37 (hg19) VCF-style: chr16-89346748-T-A.
Other names: c.6202A>T, p.Asn2068Tyr (NM_001256182.2, NM_001256183.2); short protein forms N2068Y.
Identifiers: ClinVar variation 2500671 (VCV002500671.1), dbSNP rs2544223605, ClinGen allele CA397151745.

ClinVar aggregate classification (germline): Uncertain significance (1 of 4 stars; one submission).

Allele frequency attached by ClinVar (database versions not stated): gnomAD exomes below 0.00001.
gnomAD v4.1: 2 of 1,578,534 alleles (0.00013%); highest among the groups gnomAD compares: Non-Finnish European, 0.00017%; no homozygotes.

Submission:

GeneDx
Classification: Uncertain significance. Last evaluated: 2022-10-31. Review status: criteria provided, single submitter. Criteria: GeneDx Variant Classification Process June 2021. Collection method: clinical testing. Allele origin: germline. Affected: yes.
Comment: Not observed at significant frequency in large population cohorts (gnomAD); In silico analysis supports that this missense variant has a deleterious effect on protein structure/function; Has not been previously published as pathogenic or benign to our knowledge